The following is an entry in ClinVar:

ClinVar aggregate classification (germline): Uncertain significance. Review status: criteria provided, single submitter (1 of 4 stars). 2 submissions from 2 submitters: Uncertain significance (1). 1 of the submissions does not count toward it. Last evaluated 2021-08-24.

Conditions:
Usher syndrome type 2A. Also called: RETINAL DISEASE IN USHER SYNDROME TYPE IIA, MODIFIER OF; USHER SYNDROME, TYPE IIA. Identifiers: Orphanet 231178, Orphanet 886, MedGen C1848634, MONDO:0010169, OMIM 276901.

Allele frequency attached by ClinVar (database versions not stated): gnomAD exomes below 0.00001 and 0.00001; TOPMed below 0.00001; ExAC 0.00001; gnomAD 0.00001.
gnomAD v4.1: 9 of 1,613,778 alleles (0.00056%); highest among the groups gnomAD compares: Non-Finnish European, 0.00068%; no homozygotes.

Submissions (2):

Labcorp Genetics (formerly Invitae), Labcorp
Classification: Uncertain significance. Last evaluated: 2021-08-24. Review status: criteria provided, single submitter. Criteria: Invitae Variant Classification Sherloc (09022015). Collection method: clinical testing. Allele origin: germline.
Comment: This sequence change replaces glycine with glutamic acid at codon 1911 of the USH2A protein (p.Gly1911Glu). The glycine residue is highly conserved and there is a moderate physicochemical difference between glycine and glutamic acid. This variant is present in population databases (rs763747123, ExAC 0.002%). This variant has not been reported in the literature in individuals affected with USH2A-related conditions. Algorithms developed to predict the effect of missense changes on protein structure and function (SIFT, PolyPhen-2, Align-GVGD) all suggest that this variant is likely to be disruptive. In summary, the available evidence is currently insufficient to determine the role of this variant in disease. Therefore, it has been classified as a Variant of Uncertain Significance.

Natera, Inc.
Classification: Uncertain significance for Usher syndrome type 2A. Last evaluated: 2020-06-24. Review status: no assertion criteria provided. Collection method: clinical testing. Allele origin: germline. Not counted in ClinVar's aggregate classification.

NM_206933.4(USH2A):c.5732G>A (p.Gly1911Glu)

Genes: USH2A (usherin; minus strand), USH2A-AS2 (USH2A antisense RNA 2; plus strand). Cytogenetic location: 1q41.
Variant type: single nucleotide variant.
Coding change: c.5732G>A on transcript NM_206933.4 (MANE Select); coding-DNA position 5732, G replaced by A.
Protein change: p.Gly1911Glu; replaces glycine 1911 with glutamic acid.
Molecular consequence: missense variant.
Genome position (GRCh38, 1-based): chr1:216,073,141, C>T on the plus strand (G>A on the coding strand, the complement: USH2A is on the minus strand). VCF-style: chr1-216073141-C-T. GRCh37 (hg19) VCF-style: chr1-216246483-C-T.
Other names: short protein forms G1911E.
Identifiers: ClinVar variation 1051120 (VCV001051120.3), dbSNP rs763747123, ClinGen allele CA1395372.